The following is an entry in ClinVar:

ClinVar aggregate classification (germline): Uncertain significance. Review status: criteria provided, multiple submitters, no conflicts (2 of 4 stars). 4 submissions from 2 submitters: Uncertain significance (4). Last evaluated 2018-01-13.

Conditions:
Maturity-onset diabetes of the young type 13. Also called: MODY, TYPE 13. Identifiers: Orphanet 552, MedGen C4225365, MONDO:0014589, OMIM 616329.
Maturity-onset diabetes of the young (MODY). Also called: Maturity onset diabetes mellitus in young. Identifiers: Orphanet 552, MedGen C0342276, MONDO:0018911, HP:0004904.
Diabetes mellitus, transient neonatal, 3 (TNDM3). Identifiers: Orphanet 99886, MedGen C1864623, MONDO:0012522, OMIM 610582. Disease mechanism: loss of function.
Hyperinsulinemic hypoglycemia, familial, 2. Also called: HYPERINSULINEMIC HYPOGLYCEMIA, PERSISTENT; HYPERINSULINISM, NEONATAL. Identifiers: Orphanet 276580, Orphanet 276603, MedGen C2931833, MONDO:0011153, OMIM 601820. Disease mechanism: loss of function.

Allele frequency attached by ClinVar (database versions not stated): gnomAD exomes below 0.00001.

Submissions (4):

Illumina Laboratory Services, Illumina
Classification: Uncertain significance for Hyperinsulinemic hypoglycemia, familial, 2. Last evaluated: 2018-01-13. Review status: criteria provided, single submitter. Criteria: ICSL Variant Classification Criteria 13 December 2019. Collection method: clinical testing. Allele origin: germline.

Illumina Laboratory Services, Illumina
Classification: Uncertain significance for Diabetes mellitus, transient neonatal, 3. Last evaluated: 2018-01-13. Review status: criteria provided, single submitter. Criteria: ICSL Variant Classification Criteria 13 December 2019. Collection method: clinical testing. Allele origin: germline.

Illumina Laboratory Services, Illumina
Classification: Uncertain significance for Maturity-onset diabetes of the young type 13. Last evaluated: 2018-01-13. Review status: criteria provided, single submitter. Criteria: ICSL Variant Classification Criteria 13 December 2019. Collection method: clinical testing. Allele origin: germline.

Clinical Genomics, Uppaluri K&H Personalized Medicine Clinic
Classification: Uncertain significance for Maturity-onset diabetes of the young. Review status: criteria provided, single submitter. Criteria: K & H Uppaluri Personalized Medicine Clinic Variant Classification & Assertion Criteria_Updated V.1. Collection method: research. Allele origin: somatic. Inheritance: Autosomal dominant inheritance.
Comment: Mutations in KCNJ11 gene can cause decreased production and secretion of insulin. This can lead to MODY which may be responsive to oral sulfonylureas. It is also associated with Neonatal Diabetes. However, no sufficient evidence is found to ascertain role of this particular variant (rs886048041) in MODY yet.

Literature cited by the submitters: PubMed 26448950 (cited by Clinical Genomics, Uppaluri K&H Personalized Medicine Clinic); PubMed 15580558 (cited by Clinical Genomics, Uppaluri K&H Personalized Medicine Clinic); PubMed 15718250 (cited by Clinical Genomics, Uppaluri K&H Personalized Medicine Clinic); PubMed 32935446 (cited by Clinical Genomics, Uppaluri K&H Personalized Medicine Clinic); PubMed 22701567 (cited by Clinical Genomics, Uppaluri K&H Personalized Medicine Clinic).

NM_000525.4(KCNJ11):c.*50G>A

Gene: KCNJ11 (potassium inwardly rectifying channel subfamily J member 11; minus strand). Cytogenetic location: 11p15.1.
Variant type: single nucleotide variant.
Coding change: c.*50G>A on transcript NM_000525.4 (MANE Select); 50 bases downstream of the stop codon, G replaced by A.
Molecular consequence: 3 prime UTR variant.
Genome position (GRCh38, 1-based): chr11:17,386,869, C>T on the plus strand (G>A on the coding strand, the complement: KCNJ11 is on the minus strand). VCF-style: chr11-17386869-C-T. GRCh37 (hg19) VCF-style: chr11-17408416-C-T.
Other names: c.*50G>A (NM_001166290.2, NM_001377296.1, NM_001377297.1).
Identifiers: ClinVar variation 303732 (VCV000303732.6), dbSNP rs886048041, ClinGen allele CA10638587.